The following is an entry in ClinVar:

NM_001276270.2(MBD4):c.895A>G (p.Thr299Ala)

Gene: MBD4 (methyl-CpG binding domain 4, DNA glycosylase; minus strand). Cytogenetic location: 3q21.3.
Variant type: single nucleotide variant.
Coding change: c.895A>G on transcript NM_001276270.2 (MANE Select); coding-DNA position 895, A replaced by G.
Protein change: p.Thr299Ala; replaces threonine 299 with alanine.
Molecular consequence: missense variant. On other transcripts: intron variant (1).
Genome position (GRCh38, 1-based): chr3:129,436,749, T>C on the plus strand (A>G on the coding strand, the complement: MBD4 is on the minus strand). VCF-style: chr3-129436749-T-C. GRCh37 (hg19) VCF-style: chr3-129155592-T-C.
Other names: c.895A>G, p.Thr299Ala (NM_001276271.2, NM_001276272.2, NM_003925.3); c.247+1059A>G (NM_001276273.2); short protein forms T299A.
Identifiers: ClinVar variation 3870860 (VCV003870860.1).

ClinVar aggregate classification (germline): Uncertain significance (1 of 4 stars; one submission).

Conditions:
Inborn genetic diseases. Identifiers: MedGen C0950123, MeSH D030342.

Submission:

Ambry Genetics
Classification: Uncertain significance for Inborn genetic diseases. Last evaluated: 2024-12-16. Review status: criteria provided, single submitter. Criteria: Ambry Variant Classification Scheme 2023. Collection method: clinical testing. Allele origin: germline.
Comment: The p.T299A variant (also known as c.895A>G), located in coding exon 3 of the MBD4 gene, results from an A to G substitution at nucleotide position 895. The threonine at codon 299 is replaced by alanine, an amino acid with similar properties. This amino acid position is conserved. In addition, this alteration is predicted to be tolerated by in silico analysis. Based on the available evidence, the clinical significance of this variant remains unclear.